The following is an entry in ClinVar:

NM_000506.5(F2):c.1003+28C>T

Gene: F2 (coagulation factor II, thrombin; plus strand). Cytogenetic location: 11p11.2.
Variant type: single nucleotide variant.
Coding change: c.1003+28C>T on transcript NM_000506.5 (MANE Select); 28 bases into the intron after coding-DNA position 1003, C replaced by T.
Molecular consequence: intron variant.
Genome position (GRCh38, 1-based): chr11:46,726,654, C>T. VCF-style: chr11-46726654-C-T. GRCh37 (hg19) VCF-style: chr11-46748204-C-T.
Other names: p.?.
Identifiers: ClinVar variation 4683613 (VCV004683613.1).

ClinVar aggregate classification (germline): Likely benign (1 of 4 stars; one submission).

gnomAD v4.1: 3,632 of 1,613,514 alleles (0.23%); highest among the groups gnomAD compares: Middle Eastern, 0.71%; 11 homozygotes.

Submission:

Mayo Clinic Laboratories, Mayo Clinic
Classification: Likely benign. Last evaluated: 2025-01-09. Review status: criteria provided, single submitter. Criteria: ACMG Guidelines, 2015. Collection method: clinical testing. Allele origin: germline. Observed: 1 variant allele.
Comment: BS2, BP4, BP7